The following is an entry in ClinVar:

NM_001042545.2(LTBP4):c.2098C>T (p.Arg700Trp)

Gene: LTBP4 (latent transforming growth factor beta binding protein 4; plus strand). Cytogenetic location: 19q13.2.
Variant type: single nucleotide variant.
Coding change: c.2098C>T on transcript NM_001042545.2 (MANE Select); coding-DNA position 2098, C replaced by T.
Protein change: p.Arg700Trp; replaces arginine 700 with tryptophan.
Molecular consequence: missense variant.
Genome position (GRCh38, 1-based): chr19:40,611,903, C>T. VCF-style: chr19-40611903-C-T. GRCh37 (hg19) VCF-style: chr19-41117809-C-T.
Other names: c.2299C>T, p.Arg767Trp (NM_001042544.1); c.2188C>T, p.Arg730Trp (NM_003573.2); short protein forms R700W, R767W, R730W.
Identifiers: ClinVar variation 329314 (VCV000329314.6), dbSNP rs758290097, ClinGen allele CA9448532.

ClinVar aggregate classification (germline): Uncertain significance. Review status: criteria provided, multiple submitters, no conflicts (2 of 4 stars). 3 submissions from 3 submitters: Uncertain significance (3). Last evaluated 2024-06-19.

Conditions:
Cutis laxa with severe pulmonary, gastrointestinal and urinary anomalies. Also called: URBAN-RIFKIN-DAVIS SYNDROME; Cutis laxa, autosomal recessive, type IC; LTBP4-Related Cutis Laxa. Identifiers: Orphanet 221145, MedGen C2750804, MONDO:0013170, OMIM 613177. Disease mechanism: loss of function.

Allele frequency attached by ClinVar (database versions not stated): ExAC 0.00002; gnomAD exomes 0.00002; gnomAD 0.00003; TOPMed 0.00004.
gnomAD v4.1: 31 of 1,609,436 alleles (0.0019%); highest among the groups gnomAD compares: Admixed American, 0.005%; no homozygotes.

Submissions (3):

Women's Health and Genetics/Laboratory Corporation of America, LabCorp
Classification: Uncertain significance. Last evaluated: 2024-06-19. Review status: criteria provided, single submitter. Criteria: LabCorp Variant Classification Summary - May 2015. Collection method: clinical testing. Allele origin: germline.
Comment: Variant summary: LTBP4 c.2188C>T (p.Arg730Trp) results in a non-conservative amino acid change in the encoded protein sequence. Four of five in-silico tools predict a damaging effect of the variant on protein function. The variant allele was found at a frequency of 2.1e-05 in 239910 control chromosomes. The available data on variant occurrences in the general population are insufficient to allow any conclusion about variant significance. To our knowledge, no occurrence of c.2188C>T in individuals affected with Cutis Laxa - LTBP4 Related and no experimental evidence demonstrating its impact on protein function have been reported. ClinVar contains an entry for this variant (Variation ID: 329314). Based on the evidence outlined above, the variant was classified as uncertain significance.

GeneDx
Classification: Uncertain significance. Last evaluated: 2023-02-16. Review status: criteria provided, single submitter. Criteria: GeneDx Variant Classification Process June 2021. Collection method: clinical testing. Allele origin: germline. Affected: yes.
Comment: Has not been previously published as pathogenic or benign to our knowledge; Not observed at significant frequency in large population cohorts (gnomAD); In silico analysis supports that this missense variant has a deleterious effect on protein structure/function

Illumina Laboratory Services, Illumina
Classification: Uncertain significance for Cutis laxa with severe pulmonary, gastrointestinal and urinary anomalies. Last evaluated: 2018-01-13. Review status: criteria provided, single submitter. Criteria: ICSL Variant Classification Criteria 13 December 2019. Collection method: clinical testing. Allele origin: germline.